The following is an entry in ClinVar:

ClinVar aggregate classification (germline): Pathogenic (1 of 4 stars; one submission).

Conditions:
Hereditary hemorrhagic telangiectasia (HHT). Also called: Osler hemorrhagic telangiectasia syndrome; ORW DISEASE; Osler Weber Rendu syndrome; OSLER-RENDU-WEBER DISEASE. Identifiers: Orphanet 774, MedGen C0039445, MONDO:0019180. Disease mechanism: loss of function.

Submission:

Labcorp Genetics (formerly Invitae), Labcorp
Classification: Pathogenic for Hereditary hemorrhagic telangiectasia. Last evaluated: 2018-02-13. Review status: criteria provided, single submitter. Criteria: Invitae Variant Classification Sherloc (09022015). Collection method: clinical testing. Allele origin: germline.
Comment: This sequence change creates a premature translational stop signal (p.Leu506Thrfs*22) in the ENG gene. It is expected to result in an absent or disrupted protein product. For these reasons, this variant has been classified as Pathogenic. Loss-of-function variants in ENG are known to be pathogenic (PMID: 15879500, 20656886, 22385575). This variant has not been reported in the literature in individuals with ENG-related disease. This variant is not present in population databases (ExAC no frequency).

Literature cited by the submitters: PubMed 15879500; PubMed 20656886; PubMed 22385575.

NM_001114753.3(ENG):c.1515dup (p.Leu506fs)

Genes: ENG (endoglin; minus strand), LOC102723566 (uncharacterized LOC102723566; plus strand). Cytogenetic location: 9q34.11.
Variant type: Duplication.
Coding change: c.1515dup on transcript NM_001114753.3 (MANE Select); coding-DNA position 1515, one base duplicated (A; older notation c.1515dupA).
Protein change: p.Leu506fs; shifts the reading frame from leucine 506.
Molecular consequence: frameshift variant.
Genome position (GRCh38, 1-based): chr9:127,818,291, T duplicated on the plus strand (A on the coding strand, the reverse complement: ENG is on the minus strand); the first of 2 consecutive T bases (chr9:127,818,291-127,818,292); duplicating either gives the same sequence. VCF-style (leftmost placement, unchanged base first): chr9-127818290-G-GT. GRCh37 (hg19) VCF-style: chr9-130580569-G-GT.
Other names: c.1514dup, p.Leu506Thrfs (NM_000118.4); c.969dup, p.Leu324fs (NM_001278138.2); c.1515dupA (NM_000118.3); short protein forms L324fs, L506fs.
Identifiers: ClinVar variation 577612 (VCV000577612.9), dbSNP rs1564452667, ClinGen allele CA891842553.
Genomic context (GRCh38, chr9:127,818,290, plus strand): 5'-CCTCGGGGCTTGGGGACAGCAGGCTCACACAGTTGCCCTTGGCCGCCCGGCCCTGGATGA[G>GT]TTCCACGGTGCCTCCCTCAGGCCCCAAGTCCAGGTGGCAGCTGTCTAACTGGAGCAGGAA-3'